The following is an entry in ClinVar:

ClinVar aggregate classification (germline): Uncertain significance (1 of 4 stars; one submission).

Conditions:
Inborn genetic diseases. Identifiers: MedGen C0950123, MeSH D030342.

Submission:

Ambry Genetics
Classification: Uncertain significance for Inborn genetic diseases. Last evaluated: 2026-09-04. Review status: criteria provided, single submitter. Criteria: Ambry Variant Classification Scheme 2023. Collection method: clinical testing. Allele origin: germline.
Comment: The p.L460R variant (also known as c.1379T>G), located in coding exon 5 of the MBD4 gene, results from a T to G substitution at nucleotide position 1379. The leucine at codon 460 is replaced by arginine, an amino acid with dissimilar properties. This amino acid position is conserved. In addition, this alteration is predicted to be deleterious by in silico analysis. Based on the available evidence, the clinical significance of this variant remains unclear.

NM_001276270.2(MBD4):c.1379T>G (p.Leu460Arg)

Gene: MBD4 (methyl-CpG binding domain 4, DNA glycosylase; minus strand). Cytogenetic location: 3q21.3.
Variant type: single nucleotide variant.
Coding change: c.1379T>G on transcript NM_001276270.2 (MANE Select); coding-DNA position 1379, T replaced by G.
Protein change: p.Leu460Arg; replaces leucine 460 with arginine.
Molecular consequence: missense variant.
Genome position (GRCh38, 1-based): chr3:129,433,864, A>C on the plus strand (T>G on the coding strand, the complement: MBD4 is on the minus strand). VCF-style: chr3-129433864-A-C. GRCh37 (hg19) VCF-style: chr3-129152707-A-C.
Other names: c.1397T>G, p.Leu466Arg (NM_001276271.2, NM_001276272.2, NM_003925.3); c.443T>G, p.Leu148Arg (NM_001276273.2); short protein forms L466R, L460R, L148R.
Identifiers: ClinVar variation 5024047 (VCV005024047.1).
Genomic context (GRCh38, chr3:129,433,864, plus strand): 5'-TACCACACTGTCTCTACTAAGACAAAGATGATAATAATCCCCAAACCTGAGGTCCGATTG[A>C]GAAATATAGTAGCGATGAGAAGCTTCCATGGATCATGAAAAAGTGTTTCTTGAACGAGAT-3'
Protein context (NP_001263199.1, residues 450-470): PWKLLIATIF[Leu460Arg]NRTSGKMAIP